The following is an entry in ClinVar:

NM_178140.4(PDZD2):c.4108C>T (p.Pro1370Ser)

Gene: PDZD2 (PDZ domain containing 2; plus strand). Cytogenetic location: 5p13.3.
Variant type: single nucleotide variant.
Coding change: c.4108C>T on transcript NM_178140.4 (MANE Select); coding-DNA position 4108, C replaced by T.
Protein change: p.Pro1370Ser; replaces proline 1370 with serine.
Molecular consequence: missense variant.
Genome position (GRCh38, 1-based): chr5:32,087,556, C>T. VCF-style: chr5-32087556-C-T. GRCh37 (hg19) VCF-style: chr5-32087662-C-T.
Other names: c.4108C>T (NM_178140.2); short protein forms P1370S.
Identifiers: ClinVar variation 3033330 (VCV003033330.3), dbSNP rs146366037, ClinGen allele CA3219649.
Genomic context (GRCh38, chr5:32,087,556, plus strand): 5'-CAGAGACAGGGAGCTCCAGGTAACCACAGTAAGGCTCTGGAAATGACAGGAATCCATGCA[C>T]CTGAAAGCTCCCAGGAGCCTTCCCTGCTGGAGGGAGCAGATTCTGTGTCCTCAAGGGCAC-3'
Protein context (NP_835260.2, residues 1360-1380): KALEMTGIHA[Pro1370Ser]ESSQEPSLLE

ClinVar aggregate classification (germline): Uncertain significance. Review status: criteria provided, single submitter (1 of 4 stars). 2 submissions from 2 submitters: Uncertain significance (1). 1 of the submissions does not count toward it. Last evaluated 2025-08-07.

Conditions:
PDZD2-related disorder. Also called: PDZD2-related condition.

Allele frequency attached by ClinVar (database versions not stated): ExAC 0.00040; gnomAD 0.00115; 1000 Genomes Project 0.00120; 1000 Genomes Project 30x 0.00125; TOPMed 0.00128; ESP Exome Variant Server 0.00169.
gnomAD v4.1: 326 of 1,613,876 alleles (0.02%); highest among the groups gnomAD compares: African/African-American, 0.37%; no homozygotes.

Submissions (2):

Ambry Genetics
Classification: Uncertain significance. Last evaluated: 2025-08-07. Review status: criteria provided, single submitter. Criteria: Ambry Variant Classification Scheme 2023. Collection method: clinical testing. Allele origin: germline.

PreventionGenetics, part of Exact Sciences
Classification: Likely benign for PDZD2-related condition. Last evaluated: 2022-11-11. Review status: no assertion criteria provided. Collection method: clinical testing. Allele origin: germline. Not counted in ClinVar's aggregate classification.
Comment: This variant is classified as likely benign based on ACMG/AMP sequence variant interpretation guidelines (Richards et al. 2015 PMID: 25741868, with internal and published modifications).